The following is an entry in ClinVar:

ClinVar aggregate classification (germline): Uncertain significance (1 of 4 stars; one submission).

Submission:

Labcorp Genetics (formerly Invitae), Labcorp
Classification: Uncertain significance. Last evaluated: 2022-07-26. Review status: criteria provided, single submitter. Criteria: Invitae Variant Classification Sherloc (09022015). Collection method: clinical testing. Allele origin: germline.
Comment: In summary, the available evidence is currently insufficient to determine the role of this variant in disease. Therefore, it has been classified as a Variant of Uncertain Significance. Algorithms developed to predict the effect of missense changes on protein structure and function output the following: SIFT: "Deleterious"; PolyPhen-2: "Benign"; Align-GVGD: "Class C0". The serine amino acid residue is found in multiple mammalian species, which suggests that this missense change does not adversely affect protein function. This variant has not been reported in the literature in individuals affected with STIL-related conditions. This variant is not present in population databases (gnomAD no frequency). This sequence change replaces asparagine, which is neutral and polar, with serine, which is neutral and polar, at codon 618 of the STIL protein (p.Asn618Ser).

NM_001048166.1(STIL):c.1853A>G (p.Asn618Ser)

Gene: STIL (STIL centriolar assembly protein; minus strand). Cytogenetic location: 1p33.
Variant type: single nucleotide variant.
Coding change: c.1853A>G on transcript NM_001048166.1 (MANE Select); coding-DNA position 1853, A replaced by G.
Protein change: p.Asn618Ser; replaces asparagine 618 with serine.
Molecular consequence: missense variant.
Genome position (GRCh38, 1-based): chr1:47,280,605, T>C on the plus strand (A>G on the coding strand, the complement: STIL is on the minus strand). VCF-style: chr1-47280605-T-C. GRCh37 (hg19) VCF-style: chr1-47746277-T-C.
Other names: c.1853A>G, p.Asn618Ser (NM_001282936.1, NM_001282937.1, NM_003035.2); c.1712A>G, p.Asn571Ser (NM_001282938.1, NM_001282939.1, NM_001377417.1); short protein forms N571S, N618S.
Identifiers: ClinVar variation 2098633 (VCV002098633.4), dbSNP rs2524000960, ClinGen allele CA340247073.